The following is an entry in ClinVar:

ClinVar aggregate classification (germline): Uncertain significance (1 of 4 stars; one submission).

Conditions:
Osteogenesis imperfecta type 7 (OI7). Also called: OSTEOGENESIS IMPERFECTA, TYPE IIB; Osteogenesis imperfecta type 2B; OI type 2B; Osteogenesis imperfecta, perinatal lethal autosomal recessive; OI type IIB; OI type 7. Identifiers: MedGen C1853162, MONDO:0012536, OMIM 610682.

Submission:

Labcorp Genetics (formerly Invitae), Labcorp
Classification: Uncertain significance for Osteogenesis imperfecta type 7. Last evaluated: 2025-02-27. Review status: criteria provided, single submitter. Criteria: Invitae Variant Classification Sherloc (09022015). Collection method: clinical testing. Allele origin: germline.
Comment: This sequence change replaces glutamic acid, which is acidic and polar, with glutamine, which is neutral and polar, at codon 95 of the CRTAP protein (p.Glu95Gln). This variant is not present in population databases (gnomAD no frequency). This variant has not been reported in the literature in individuals affected with CRTAP-related conditions. Invitae Evidence Modeling of protein sequence and biophysical properties (such as structural, functional, and spatial information, amino acid conservation, physicochemical variation, residue mobility, and thermodynamic stability) indicates that this missense variant is not expected to disrupt CRTAP protein function with a negative predictive value of 80%. In summary, the available evidence is currently insufficient to determine the role of this variant in disease. Therefore, it has been classified as a Variant of Uncertain Significance.

NM_006371.5(CRTAP):c.283G>C (p.Glu95Gln)

Gene: CRTAP (cartilage associated protein; plus strand). Cytogenetic location: 3p22.3.
Variant type: single nucleotide variant.
Coding change: c.283G>C on transcript NM_006371.5 (MANE Select); coding-DNA position 283, G replaced by C.
Protein change: p.Glu95Gln; replaces glutamic acid 95 with glutamine.
Molecular consequence: missense variant.
Genome position (GRCh38, 1-based): chr3:33,114,360, G>C. VCF-style: chr3-33114360-G-C. GRCh37 (hg19) VCF-style: chr3-33155852-G-C.
Other names: c.283G>C, p.Glu95Gln (NM_001393363.1, NM_001393364.1, NM_001393365.1); short protein forms E95Q.
Identifiers: ClinVar variation 4742178 (VCV004742178.1).